The following is an entry in ClinVar:

ClinVar aggregate classification (germline): Uncertain significance. Review status: criteria provided, multiple submitters, no conflicts (2 of 4 stars). 2 submissions from 2 submitters: Uncertain significance (2). Last evaluated 2023-11-20.

Conditions:
Inborn genetic diseases. Identifiers: MedGen C0950123, MeSH D030342.
Immunodeficiency 67. Also called: Immunodeficiency due to interleukin-1 receptor-associated kinase-4 deficiency. Identifiers: Orphanet 70592, MedGen C1843256, MONDO:0011888, OMIM 607676.

Allele frequency attached by ClinVar (database versions not stated): TOPMed below 0.00001; gnomAD exomes 0.00001 and 0.00003; ExAC 0.00002; ESP Exome Variant Server 0.00008.
gnomAD v4.1: 48 of 1,613,142 alleles (0.003%); highest among the groups gnomAD compares: Non-Finnish European, 0.004%; no homozygotes.

Submissions (2):

Ambry Genetics
Classification: Uncertain significance for Inborn genetic diseases. Last evaluated: 2023-11-20. Review status: criteria provided, single submitter. Criteria: Ambry Variant Classification Scheme 2023. Collection method: clinical testing. Allele origin: germline.

Labcorp Genetics (formerly Invitae), Labcorp
Classification: Uncertain significance for Immunodeficiency 67. Last evaluated: 2022-04-12. Review status: criteria provided, single submitter. Criteria: Invitae Variant Classification Sherloc (09022015). Collection method: clinical testing. Allele origin: germline.
Comment: In summary, the available evidence is currently insufficient to determine the role of this variant in disease. Therefore, it has been classified as a Variant of Uncertain Significance. Advanced modeling of protein sequence and biophysical properties (such as structural, functional, and spatial information, amino acid conservation, physicochemical variation, residue mobility, and thermodynamic stability) performed at Invitae indicates that this missense variant is expected to disrupt IRAK4 protein function. ClinVar contains an entry for this variant (Variation ID: 955193). This variant has not been reported in the literature in individuals affected with IRAK4-related conditions. This variant is present in population databases (rs377074100, gnomAD 0.003%). This sequence change replaces valine, which is neutral and non-polar, with leucine, which is neutral and non-polar, at codon 200 of the IRAK4 protein (p.Val200Leu).

NM_016123.4(IRAK4):c.598G>C (p.Val200Leu)

Gene: IRAK4 (interleukin 1 receptor associated kinase 4; plus strand). Cytogenetic location: 12q12.
Variant type: single nucleotide variant.
Coding change: c.598G>C on transcript NM_016123.4 (MANE Select); coding-DNA position 598, G replaced by C.
Protein change: p.Val200Leu; replaces valine 200 with leucine.
Molecular consequence: missense variant. On other transcripts: intron variant (2).
Genome position (GRCh38, 1-based): chr12:43,773,019, G>C. VCF-style: chr12-43773019-G-C. GRCh37 (hg19) VCF-style: chr12-44166822-G-C.
Other names: c.598G>C, p.Val200Leu (NM_001114182.3, NM_001351345.2); c.226G>C, p.Val76Leu (NM_001145256.2, NM_001145257.2, NM_001145258.2 and 5 more transcripts); c.42+33G>C (NM_001351343.2, NM_001351344.2); short protein forms V76L, V200L.
Identifiers: ClinVar variation 955193 (VCV000955193.10), dbSNP rs377074100, ClinGen allele CA6522410.
Genomic context (GRCh38, chr12:43,773,019, plus strand): 5'-TTTGATGAACGACCCATTTCTGTTGGTGGTAATAAAATGGGAGAGGGAGGATTTGGAGTT[G>C]TATATAAAGGCTACGTAAATAACACAACTGTGGCAGTGAAGAAGCTTGCAGCAGTAAGTT-3'
Protein context (NP_057207.2, residues 190-210): NKMGEGGFGV[Val200Leu]YKGYVNNTTV